The following is an entry in ClinVar:

ClinVar aggregate classification (germline): Uncertain significance (1 of 4 stars; one submission).

Submission:

GeneDx
Classification: Uncertain significance. Last evaluated: 2025-05-15. Review status: criteria provided, single submitter. Criteria: GeneDx Variant Classification Process June 2021. Collection method: clinical testing. Allele origin: germline. Affected: yes.
Comment: Not observed at significant frequency in large population cohorts (gnomAD); In silico analysis supports that this missense variant has a deleterious effect on protein structure/function; Has not been previously published as pathogenic or benign to our knowledge

NM_014625.4(NPHS2):c.491A>G (p.Lys164Arg)

Gene: NPHS2 (NPHS2 stomatin family member, podocin; minus strand). Cytogenetic location: 1q25.2.
Variant type: single nucleotide variant.
Coding change: c.491A>G on transcript NM_014625.4 (MANE Select); coding-DNA position 491, A replaced by G.
Protein change: p.Lys164Arg; replaces lysine 164 with arginine.
Molecular consequence: missense variant.
Genome position (GRCh38, 1-based): chr1:179,559,722, T>C on the plus strand (A>G on the coding strand, the complement: NPHS2 is on the minus strand). VCF-style: chr1-179559722-T-C. GRCh37 (hg19) VCF-style: chr1-179528857-T-C.
Other names: c.491A>G, p.Lys164Arg (NM_001297575.2); short protein forms K164R.
Identifiers: ClinVar variation 4529928 (VCV004529928.1).
Genomic context (GRCh38, chr1:179,559,722, plus strand): 5'-GCCATCATTTGGCTTACCTCATGAAAAGGTATCTCCAGAGTTTGGAGACGAAGGTCAACC[T>C]TGTGGTAGGTATCCAGGCAGGGCAAAAAAAAGAAAAGACCTAAAAGAGAGGAGGAGGAAG-3'
Protein context (NP_055440.1, residues 154-174): FFLPCLDTYH[Lys164Arg]VDLRLQTLEI